The following is an entry in ClinVar:

NM_014714.4(IFT140):c.1653-7C>G

Gene: IFT140 (intraflagellar transport 140; minus strand). Cytogenetic location: 16p13.3.
Variant type: single nucleotide variant.
Coding change: c.1653-7C>G on transcript NM_014714.4 (MANE Select); 7 bases into the intron before coding-DNA position 1653, C replaced by G.
Molecular consequence: intron variant.
Genome position (GRCh38, 1-based): chr16:1,568,341, G>C on the plus strand (C>G on the coding strand, the complement: IFT140 is on the minus strand). VCF-style: chr16-1568341-G-C. GRCh37 (hg19) VCF-style: chr16-1618342-G-C.
Other names: c.1653-7C>G (NM_014714.3).
Identifiers: ClinVar variation 2198602 (VCV002198602.5), dbSNP rs752410928, ClinGen allele CA7814183.
Genomic context (GRCh38, chr16:1,568,341, plus strand): 5'-ACCCCAGGGACCAGCTCCGCCAGGCTCCTGCAGCTACAGTGTGCTTTGGCCTCTCTGCAG[G>C]GAGGAAGAGGGACCTCAGTGCCCGCCAGAGGCCCAGTTCCCAATTCTCCGCCCACCCTGA-3'

ClinVar aggregate classification (germline): Likely benign. Review status: criteria provided, multiple submitters, no conflicts (2 of 4 stars). 2 submissions from 2 submitters: Likely benign (2). Last evaluated 2025-08-15.

Conditions:
Saldino-Mainzer syndrome (SRTD9). Also called: short-rib thoracic dysplasia 9 with or without polydactyly; Renal dysplasia, retinal pigmentary dystrophy, cerebellar ataxia and skeletal dysplasia; SHORT-RIB THORACIC DYSPLASIA 9 WITHOUT POLYDACTYLY; CONORENAL SYNDROME. Identifiers: Orphanet 140969, MedGen C1849437, MONDO:0009964, OMIM 266920.
IFT140-related disorder. Also called: IFT140-related condition.

Allele frequency attached by ClinVar (database versions not stated): gnomAD exomes below 0.00001; TOPMed below 0.00001; ExAC 0.00001.
gnomAD v4.1: 6 of 1,607,914 alleles (0.00037%); highest among the groups gnomAD compares: Admixed American, 0.01%; no homozygotes.

Submissions (2):

PreventionGenetics, part of Exact Sciences
Classification: Likely benign for IFT140-related condition. Last evaluated: 2025-08-15. Review status: criteria provided, single submitter. Criteria: ACMG Guidelines, 2015. Collection method: clinical testing. Allele origin: germline.
Comment: This variant is classified as likely benign based on ACMG/AMP sequence variant interpretation guidelines (Richards et al. 2015 PMID: 25741868, with internal and published modifications).

Labcorp Genetics (formerly Invitae), Labcorp
Classification: Likely benign for Saldino-Mainzer syndrome. Last evaluated: 2023-10-27. Review status: criteria provided, single submitter. Criteria: Invitae Variant Classification Sherloc (09022015). Collection method: clinical testing. Allele origin: germline.